The following is an entry in ClinVar:

NM_015474.4(SAMHD1):c.1623G>A (p.Leu541=)

Gene: SAMHD1 (SAM and HD domain containing deoxynucleoside triphosphate triphosphohydrolase 1; minus strand). Cytogenetic location: 20q11.23.
Variant type: single nucleotide variant.
Coding change: c.1623G>A on transcript NM_015474.4 (MANE Select); coding-DNA position 1623, G replaced by A.
Protein change: p.Leu541=; no amino-acid change (leucine 541 retained).
Molecular consequence: synonymous variant.
Genome position (GRCh38, 1-based): chr20:36,897,945, C>T on the plus strand (G>A on the coding strand, the complement: SAMHD1 is on the minus strand). VCF-style: chr20-36897945-C-T. GRCh37 (hg19) VCF-style: chr20-35526348-C-T.
Other names: c.1518G>A, p.Leu506= (NM_001363729.2); c.1623G>A, p.Leu541= (NM_001363733.2).
Identifiers: ClinVar variation 1094043 (VCV001094043.38), dbSNP rs1990227839, ClinGen allele CA510388550.

ClinVar aggregate classification (germline): Likely benign. Review status: criteria provided, multiple submitters, no conflicts (2 of 4 stars). 3 submissions from 3 submitters: Likely benign (3). Last evaluated 2025-09-01.

Conditions:
Aicardi-Goutieres syndrome 5. Identifiers: Orphanet 51, MedGen C2749659, MONDO:0013059, OMIM 612952.

Allele frequency attached by ClinVar (database versions not stated): gnomAD exomes 0.00002.
gnomAD v4.1: 29 of 1,614,220 alleles (0.0018%); highest among the groups gnomAD compares: Middle Eastern, 0.099%; no homozygotes.

Submissions (3):

Labcorp Genetics (formerly Invitae), Labcorp
Classification: Likely benign for Aicardi-Goutieres syndrome 5. Last evaluated: 2025-09-01. Review status: criteria provided, single submitter. Criteria: Invitae Variant Classification Sherloc (09022015). Collection method: clinical testing. Allele origin: germline.

Blueprint Genetics
Classification: Likely benign. Last evaluated: 2024-11-19. Review status: criteria provided, single submitter. Criteria: ACMG Guidelines, 2015. Collection method: clinical testing. Allele origin: germline.

CeGaT Center for Human Genetics Tuebingen
Classification: Likely benign. Last evaluated: 2022-12-01. Review status: criteria provided, single submitter. Criteria: CeGaT Center For Human Genetics Tuebingen Variant Classification Criteria Version 2. Collection method: clinical testing. Allele origin: germline. Affected: yes. Observed: 1 variant allele.
Comment: SAMHD1: PM2:Supporting, BP4, BP7